The following is an entry in ClinVar:

NM_000214.3(JAG1):c.67G>A (p.Ala23Thr)

Gene: JAG1 (jagged canonical Notch ligand 1; minus strand). Cytogenetic location: 20p12.2.
Variant type: single nucleotide variant.
Coding change: c.67G>A on transcript NM_000214.3 (MANE Select); coding-DNA position 67, G replaced by A.
Protein change: p.Ala23Thr; replaces alanine 23 with threonine.
Molecular consequence: missense variant.
Genome position (GRCh38, 1-based): chr20:10,673,464, C>T on the plus strand (G>A on the coding strand, the complement: JAG1 is on the minus strand). VCF-style: chr20-10673464-C-T. GRCh37 (hg19) VCF-style: chr20-10654112-C-T.
Other names: short protein forms A23T.
Identifiers: ClinVar variation 2630032 (VCV002630032.1), dbSNP rs2067513128, ClinGen allele CA408244094.

ClinVar aggregate classification (germline): Uncertain significance (1 of 4 stars; one submission).

Conditions:
JAG1-related disorder. Also called: JAG1-related condition; JAG1-related disorders.

Allele frequency attached by ClinVar (database versions not stated): TOPMed below 0.00001; gnomAD exomes 0.00001.
gnomAD v4.1: 15 of 1,436,240 alleles (0.001%); highest among the groups gnomAD compares: Non-Finnish European, 0.0014%; no homozygotes.

Submission:

PreventionGenetics, part of Exact Sciences
Classification: Uncertain significance for JAG1-related condition. Last evaluated: 2023-08-21. Review status: criteria provided, single submitter. Criteria: ACMG Guidelines, 2015. Collection method: clinical testing. Allele origin: germline.
Comment: The JAG1 c.67G>A variant is predicted to result in the amino acid substitution p.Ala23Thr. To our knowledge, this variant has not been reported in the literature or in a large population database, indicating this variant is rare. At this time, the clinical significance of this variant is uncertain due to the absence of conclusive functional and genetic evidence.